The following is an entry in ClinVar:

NM_001457.4(FLNB):c.2516T>C (p.Val839Ala)

Genes: FLNB (filamin B; plus strand), LOC129936935 (ATAC-STARR-seq lymphoblastoid active region 19999; plus strand). Cytogenetic location: 3p14.3.
Variant type: single nucleotide variant.
Coding change: c.2516T>C on transcript NM_001457.4 (MANE Select); coding-DNA position 2516, T replaced by C.
Protein change: p.Val839Ala; replaces valine 839 with alanine.
Molecular consequence: missense variant.
Genome position (GRCh38, 1-based): chr3:58,111,822, T>C. VCF-style: chr3-58111822-T-C. GRCh37 (hg19) VCF-style: chr3-58097549-T-C.
Other names: c.2516T>C, p.Val839Ala (NM_001164317.2, NM_001164318.2, NM_001164319.2); c.2516T>C (NM_001457.3); short protein forms V839A.
Identifiers: ClinVar variation 2174352 (VCV002174352.5), dbSNP rs765267560, ClinGen allele CA2468151.

ClinVar aggregate classification (germline): Conflicting classifications of pathogenicity. Review status: criteria provided, conflicting classifications (1 of 4 stars). 2 submissions from 2 submitters: Uncertain significance (1); Likely benign (1). Last evaluated 2025-05-09.

Allele frequency attached by ClinVar (database versions not stated): ExAC 0.00001; gnomAD 0.00001.
gnomAD v4.1: 44 of 1,614,028 alleles (0.0027%); highest among the groups gnomAD compares: East Asian, 0.0067%; no homozygotes.

Submissions (2):

Labcorp Genetics (formerly Invitae), Labcorp
Classification: Likely benign. Last evaluated: 2025-05-09. Review status: criteria provided, single submitter. Criteria: Invitae Variant Classification Sherloc (09022015). Collection method: clinical testing. Allele origin: germline.

GeneDx
Classification: Uncertain significance. Last evaluated: 2025-05-02. Review status: criteria provided, single submitter. Criteria: GeneDx Variant Classification Process June 2021. Collection method: clinical testing. Allele origin: germline. Affected: yes.
Comment: In silico analysis supports that this missense variant has a deleterious effect on protein structure/function; Has not been previously published as pathogenic or benign to our knowledge